The following is an entry in ClinVar:

ClinVar aggregate classification (germline): Likely benign (1 of 4 stars; one submission).

Submission:

CeGaT Center for Human Genetics Tuebingen
Classification: Likely benign. Last evaluated: 2023-04-01. Review status: criteria provided, single submitter. Criteria: CeGaT Center For Human Genetics Tuebingen Variant Classification Criteria Version 2. Collection method: clinical testing. Allele origin: germline. Affected: yes. Observed: 1 variant allele.
Comment: DIPK2B: BP4

NM_176819.4(DIPK2B):c.499-4G>T

Gene: DIPK2B (divergent protein kinase domain 2B; minus strand). Cytogenetic location: Xp11.3.
Variant type: single nucleotide variant.
Coding change: c.499-4G>T on transcript NM_176819.4 (MANE Select); 4 bases into the intron before coding-DNA position 499, G replaced by T.
Molecular consequence: intron variant.
Genome position (GRCh38, 1-based): chrX:45,157,892, C>A on the plus strand (G>T on the coding strand, the complement: DIPK2B is on the minus strand). VCF-style: chrX-45157892-C-A. GRCh37 (hg19) VCF-style: chrX-45017137-C-A.
Identifiers: ClinVar variation 2660376 (VCV002660376.24), dbSNP rs758871668, ClinGen allele CA641671314.